The following is an entry in ClinVar:

ClinVar aggregate classification (germline): Likely benign (1 of 4 stars; one submission).

Submission:

CeGaT Center for Human Genetics Tuebingen
Classification: Likely benign. Last evaluated: 2026-07-01. Review status: criteria provided, single submitter. Criteria: CeGaT Center For Human Genetics Tuebingen Variant Classification Criteria Version 2. Collection method: clinical testing. Allele origin: germline. Affected: yes. Observed: 4 variant alleles.
Comment: EP300: PM2:Supporting, BP4, BP7

NM_001429.4(EP300):c.1752T>C (p.Val584=)

Gene: EP300 (EP300 lysine acetyltransferase; plus strand). Cytogenetic location: 22q13.2.
Variant type: single nucleotide variant.
Coding change: c.1752T>C on transcript NM_001429.4 (MANE Select); coding-DNA position 1752, T replaced by C.
Protein change: p.Val584=; no amino-acid change (valine 584 retained).
Molecular consequence: synonymous variant.
Genome position (GRCh38, 1-based): chr22:41,137,782, T>C. VCF-style: chr22-41137782-T-C. GRCh37 (hg19) VCF-style: chr22-41533786-T-C.
Other names: c.1752T>C, p.Val584= (NM_001362843.2).
Identifiers: ClinVar variation 4681340 (VCV004681340.5).